The following is an entry in ClinVar:

NM_001384140.1(PCDH15):c.1231G>T (p.Gly411Ter)

Gene: PCDH15 (protocadherin related 15; minus strand). Cytogenetic location: 10q21.1.
Variant type: single nucleotide variant.
Coding change: c.1231G>T on transcript NM_001384140.1 (MANE Select); coding-DNA position 1231, G replaced by T.
Protein change: p.Gly411Ter; replaces glycine 411 with a stop codon.
Molecular consequence: nonsense.
Genome position (GRCh38, 1-based): chr10:54,195,757, C>A on the plus strand (G>T on the coding strand, the complement: PCDH15 is on the minus strand). VCF-style: chr10-54195757-C-A. GRCh37 (hg19) VCF-style: chr10-55955517-C-A.
Other names: c.1246G>T, p.Gly416Ter (NM_001142763.2, NM_001142769.4, NM_001142771.2); c.1231G>T, p.Gly411Ter (NM_001142764.2, NM_001142765.2, NM_001142766.2 and 7 more transcripts); c.1120G>T, p.Gly374Ter (NM_001142767.2); c.1165G>T, p.Gly389Ter (NM_001142768.2, NM_001142773.2, NM_001354404.2); short protein forms G374*, G389*, G411*, G416*.
Identifiers: ClinVar variation 1725765 (VCV001725765.2), dbSNP rs2133924160, ClinGen allele CA376518881.
Genomic context (GRCh38, chr10:54,195,757, plus strand): 5'-TGTCCAGAGCTACTATTCTTAAAGGTGAAGTCAAATTGAGACTGTCCGAAATGGTTGCTC[C>A]CACTGGGGCAGATTCCAGGATATAGCCTTGATAACTGGGCATTGTAAAATATGGACTTTG-3'

ClinVar aggregate classification (germline): Likely pathogenic (1 of 4 stars; one submission).

Conditions:
Usher syndrome type 1D (USH1D). Also called: USHER SYNDROME, TYPE ID. Identifiers: Orphanet 231169, Orphanet 886, MedGen C1832845, MONDO:0010984, OMIM 601067.

Submission:

Myriad Genetics, Inc.
Classification: Likely pathogenic for Usher syndrome type 1D. Last evaluated: 2022-01-08. Review status: criteria provided, single submitter. Criteria: Myriad Women's Health Autosomal Recessive and X-Linked Classification Criteria (2021). Collection method: clinical testing. Allele origin: unknown.
Comment: NM_033056.3(PCDH15):c.1231G>T(G411*) is expected to be pathogenic in the context of PCDH15-related disorders. This variant is predicted to lead to an abnormal or absent protein product due to the creation of a premature termination codon in PCDH15, a gene where loss-of-function variants are known to be pathogenic. Please note: this variant was assessed in the context of healthy population screening.